The following is an entry in ClinVar:

NM_001375380.1(EBF3):c.83G>C (p.Arg28Pro)

Gene: EBF3 (EBF transcription factor 3; minus strand). Cytogenetic location: 10q26.3.
Variant type: single nucleotide variant.
Coding change: c.83G>C on transcript NM_001375380.1 (MANE Select); coding-DNA position 83, G replaced by C.
Protein change: p.Arg28Pro; replaces arginine 28 with proline.
Molecular consequence: missense variant.
Genome position (GRCh38, 1-based): chr10:129,963,686, C>G on the plus strand (G>C on the coding strand, the complement: EBF3 is on the minus strand). VCF-style: chr10-129963686-C-G. GRCh37 (hg19) VCF-style: chr10-131761950-C-G.
Other names: c.83G>C, p.Arg28Pro (NM_001005463.3, NM_001375379.1, NM_001375389.1 and 3 more transcripts); short protein forms R28P.
Identifiers: ClinVar variation 3731092 (VCV003731092.1).

ClinVar aggregate classification (germline): Uncertain significance (1 of 4 stars; one submission).

gnomAD v4.1: 1 of 1,524,442 alleles (0.000066%); highest among the groups gnomAD compares: African/African-American, 0.0014%; no homozygotes.

Submission:

GeneDx
Classification: Uncertain significance. Last evaluated: 2024-08-14. Review status: criteria provided, single submitter. Criteria: GeneDx Variant Classification Process June 2021. Collection method: clinical testing. Allele origin: germline. Affected: yes.
Comment: Not observed at significant frequency in large population cohorts (gnomAD); In silico analysis supports that this missense variant has a deleterious effect on protein structure/function; Has not been previously published as pathogenic or benign to our knowledge